The following is an entry in ClinVar:

ClinVar aggregate classification (germline): Uncertain significance (1 of 4 stars; one submission).

Conditions:
COG8-congenital disorder of glycosylation. Also called: COG8-CDG; CDG IIh. Identifiers: Orphanet 95428, MedGen C1970021, MONDO:0012635, OMIM 611182.

Allele frequency attached by ClinVar (database versions not stated): gnomAD 0.00002; gnomAD exomes 0.00002 and 0.00005; TOPMed 0.00003.
gnomAD v4.1: 66 of 1,584,362 alleles (0.0042%); highest among the groups gnomAD compares: African/African-American, 0.0067%; no homozygotes.

Submission:

Labcorp Genetics (formerly Invitae), Labcorp
Classification: Uncertain significance for COG8-congenital disorder of glycosylation. Last evaluated: 2021-09-01. Review status: criteria provided, single submitter. Criteria: Invitae Variant Classification Sherloc (09022015). Collection method: clinical testing. Allele origin: germline.
Comment: This sequence change replaces arginine with tryptophan at codon 51 of the COG8 protein (p.Arg51Trp). The arginine residue is moderately conserved and there is a moderate physicochemical difference between arginine and tryptophan. This variant is not present in population databases (ExAC no frequency). This variant has not been reported in the literature in individuals affected with COG8-related conditions. Algorithms developed to predict the effect of missense changes on protein structure and function are either unavailable or do not agree on the potential impact of this missense change (SIFT: "Deleterious"; PolyPhen-2: "Possibly Damaging"; Align-GVGD: "Class C0"). In summary, the available evidence is currently insufficient to determine the role of this variant in disease. Therefore, it has been classified as a Variant of Uncertain Significance.

NM_032382.5(COG8):c.151C>T (p.Arg51Trp)

Gene: COG8 (component of oligomeric golgi complex 8; minus strand). Cytogenetic location: 16q22.1.
Variant type: single nucleotide variant.
Coding change: c.151C>T on transcript NM_032382.5 (MANE Select); coding-DNA position 151, C replaced by T.
Protein change: p.Arg51Trp; replaces arginine 51 with tryptophan.
Molecular consequence: missense variant.
Genome position (GRCh38, 1-based): chr16:69,339,402, G>A on the plus strand (C>T on the coding strand, the complement: COG8 is on the minus strand). VCF-style: chr16-69339402-G-A. GRCh37 (hg19) VCF-style: chr16-69373305-G-A.
Other names: c.151C>T, p.Arg51Trp (NM_001374871.1, NM_001379261.1, NM_001379262.1 and 4 more transcripts); short protein forms R51W.
Identifiers: ClinVar variation 646893 (VCV000646893.6), dbSNP rs1057521994, ClinGen allele CA396492097.